The following is an entry in ClinVar:

ClinVar aggregate classification (germline): Uncertain significance (1 of 4 stars; one submission).

Allele frequency attached by ClinVar (database versions not stated): gnomAD 0.00002; ExAC 0.00004; 1000 Genomes Project 30x 0.00021; 1000 Genomes Project 0.00026.
gnomAD v4.1: 9 of 1,208,610 alleles (0.00074%); highest among the groups gnomAD compares: South Asian, 0.0053%; no homozygotes.

Submission:

Labcorp Genetics (formerly Invitae), Labcorp
Classification: Uncertain significance. Last evaluated: 2023-09-12. Review status: criteria provided, single submitter. Criteria: Invitae Variant Classification Sherloc (09022015). Collection method: clinical testing. Allele origin: germline.
Comment: In summary, the available evidence is currently insufficient to determine the role of this variant in disease. Therefore, it has been classified as a Variant of Uncertain Significance. Advanced modeling of protein sequence and biophysical properties (such as structural, functional, and spatial information, amino acid conservation, physicochemical variation, residue mobility, and thermodynamic stability) performed at Invitae indicates that this missense variant is not expected to disrupt RBM10 protein function. This variant has not been reported in the literature in individuals affected with RBM10-related conditions. This variant is present in population databases (rs782467531, gnomAD 0.005%). This sequence change replaces arginine, which is basic and polar, with glutamine, which is neutral and polar, at codon 103 of the RBM10 protein (p.Arg103Gln).

NM_005676.5(RBM10):c.308G>A (p.Arg103Gln)

Gene: RBM10 (RNA binding motif protein 10; plus strand). Cytogenetic location: Xp11.3.
Variant type: single nucleotide variant.
Coding change: c.308G>A on transcript NM_005676.5 (MANE Select); coding-DNA position 308, G replaced by A.
Protein change: p.Arg103Gln; replaces arginine 103 with glutamine.
Molecular consequence: missense variant. On other transcripts: intron variant (2).
Genome position (GRCh38, 1-based): chrX:47,171,134, G>A. VCF-style: chrX-47171134-G-A. GRCh37 (hg19) VCF-style: chrX-47030533-G-A.
Other names: c.308G>A, p.Arg103Gln (NM_001204467.2); c.503G>A, p.Arg168Gln (NM_001204468.2); c.201+1636G>A (NM_001204466.2, NM_152856.3); short protein forms R168Q, R103Q.
Identifiers: ClinVar variation 2781707 (VCV002781707.3), dbSNP rs782467531, ClinGen allele CA10395088.